The following is an entry in ClinVar:

ClinVar aggregate classification (germline): Uncertain significance. Review status: criteria provided, multiple submitters, no conflicts (2 of 4 stars). 2 submissions from 2 submitters: Uncertain significance (2). Last evaluated 2024-03-06.

Conditions:
Hereditary nonpolyposis colorectal neoplasms. Identifiers: MedGen C0009405, MeSH D003123.
Hereditary cancer-predisposing syndrome. Also called: Neoplastic Syndromes, Hereditary; Tumor predisposition; Hereditary Cancer Syndrome; Hereditary neoplastic syndrome. Identifiers: Orphanet 140162, MedGen C0027672, MeSH D009386, MONDO:0015356.

Submissions (2):

Color Diagnostics, LLC DBA Color Health
Classification: Uncertain significance for Hereditary cancer-predisposing syndrome. Last evaluated: 2024-03-06. Review status: criteria provided, single submitter. Criteria: ACMG Guidelines, 2015. Collection method: clinical testing. Allele origin: germline.
Comment: This missense variant replaces phenylalanine with valine at codon 1289 of the MSH6 protein. Computational prediction suggests that this variant may have deleterious impact on protein structure and function (internally defined REVEL score threshold >= 0.7, PMID: 27666373). To our knowledge, functional studies have not been reported for this variant. This variant has not been reported in individuals affected with hereditary cancer in the literature. This variant has not been identified in the general population by the Genome Aggregation Database (gnomAD). The available evidence is insufficient to determine the role of this variant in disease conclusively. Therefore, this variant is classified as a Variant of Uncertain Significance.

Labcorp Genetics (formerly Invitae), Labcorp
Classification: Uncertain significance for Hereditary nonpolyposis colorectal neoplasms. Last evaluated: 2022-09-05. Review status: criteria provided, single submitter. Criteria: Invitae Variant Classification Sherloc (09022015). Collection method: clinical testing. Allele origin: germline.
Comment: ClinVar contains an entry for this variant (Variation ID: 918727). In summary, the available evidence is currently insufficient to determine the role of this variant in disease. Therefore, it has been classified as a Variant of Uncertain Significance. Algorithms developed to predict the effect of sequence changes on RNA splicing suggest that this variant may create or strengthen a splice site. Algorithms developed to predict the effect of missense changes on protein structure and function are either unavailable or do not agree on the potential impact of this missense change (SIFT: "Deleterious"; PolyPhen-2: "Probably Damaging"; Align-GVGD: "Class C0"). This variant has not been reported in the literature in individuals affected with MSH6-related conditions. This variant is not present in population databases (gnomAD no frequency). This sequence change replaces phenylalanine, which is neutral and non-polar, with valine, which is neutral and non-polar, at codon 1289 of the MSH6 protein (p.Phe1289Val).

NM_000179.3(MSH6):c.3865T>G (p.Phe1289Val)

Gene: MSH6 (mutS homolog 6; plus strand). Cytogenetic location: 2p16.3.
Variant type: single nucleotide variant.
Coding change: c.3865T>G on transcript NM_000179.3 (MANE Select); coding-DNA position 3865, T replaced by G.
Protein change: p.Phe1289Val; replaces phenylalanine 1289 with valine.
Molecular consequence: missense variant.
Genome position (GRCh38, 1-based): chr2:47,806,515, T>G. VCF-style: chr2-47806515-T-G. GRCh37 (hg19) VCF-style: chr2-48033654-T-G.
Other names: c.3475T>G, p.Phe1159Val (NM_001281492.2); c.2959T>G, p.Phe987Val (NM_001281493.2, NM_001281494.2); short protein forms F1289V, F1159V, F987V.
Identifiers: ClinVar variation 918727 (VCV000918727.9), dbSNP rs1670109084, ClinGen allele CA346761343.